The following is an entry in ClinVar:

NM_015466.4(PTPN23):c.1756A>G (p.Ile586Val)

Gene: PTPN23 (protein tyrosine phosphatase non-receptor type 23; plus strand). Cytogenetic location: 3p21.31.
Variant type: single nucleotide variant.
Coding change: c.1756A>G on transcript NM_015466.4 (MANE Select); coding-DNA position 1756, A replaced by G.
Protein change: p.Ile586Val; replaces isoleucine 586 with valine.
Molecular consequence: missense variant.
Genome position (GRCh38, 1-based): chr3:47,409,276, A>G. VCF-style: chr3-47409276-A-G. GRCh37 (hg19) VCF-style: chr3-47450766-A-G.
Other names: c.1378A>G, p.Ile460Val (NM_001304482.2); short protein forms I460V, I586V.
Identifiers: ClinVar variation 1486427 (VCV001486427.6), dbSNP rs2107720023, ClinGen allele CA352554895.

ClinVar aggregate classification (germline): Uncertain significance (1 of 4 stars; one submission).

Submission:

Labcorp Genetics (formerly Invitae), Labcorp
Classification: Uncertain significance. Last evaluated: 2021-11-02. Review status: criteria provided, single submitter. Criteria: Invitae Variant Classification Sherloc (09022015). Collection method: clinical testing. Allele origin: germline.
Comment: In summary, the available evidence is currently insufficient to determine the role of this variant in disease. Therefore, it has been classified as a Variant of Uncertain Significance. Algorithms developed to predict the effect of missense changes on protein structure and function are either unavailable or do not agree on the potential impact of this missense change (SIFT: "Deleterious"; PolyPhen-2: "Not Available"; Align-GVGD: "Class C0"). This variant has not been reported in the literature in individuals affected with PTPN23-related conditions. This variant is not present in population databases (gnomAD no frequency). This sequence change replaces isoleucine, which is neutral and non-polar, with valine, which is neutral and non-polar, at codon 586 of the PTPN23 protein (p.Ile586Val).